The following is an entry in ClinVar:

NM_003036.4(SKI):c.2047C>G (p.Gln683Glu)

Gene: SKI (SKI proto-oncogene; plus strand). Cytogenetic location: 1p36.32.
Variant type: single nucleotide variant.
Coding change: c.2047C>G on transcript NM_003036.4 (MANE Select); coding-DNA position 2047, C replaced by G.
Protein change: p.Gln683Glu; replaces glutamine 683 with glutamic acid.
Molecular consequence: missense variant.
Genome position (GRCh38, 1-based): chr1:2,306,625, C>G. VCF-style: chr1-2306625-C-G. GRCh37 (hg19) VCF-style: chr1-2238064-C-G.
Other names: short protein forms Q683E.
Identifiers: ClinVar variation 1784989 (VCV001784989.3), dbSNP rs1425076302, ClinGen allele CA337959627.

ClinVar aggregate classification (germline): Uncertain significance (1 of 4 stars; one submission).

Conditions:
Familial thoracic aortic aneurysm and aortic dissection (TAAD). Also called: Thoracic aortic aneurysms and dissections. Identifiers: Orphanet 91387, MedGen C4707243, MONDO:0019625.

Allele frequency attached by ClinVar (database versions not stated): gnomAD exomes below 0.00001; gnomAD 0.00002.

Submission:

Ambry Genetics
Classification: Uncertain significance for Familial thoracic aortic aneurysm and aortic dissection. Last evaluated: 2022-04-19. Review status: criteria provided, single submitter. Criteria: Ambry Variant Classification Scheme 2023. Collection method: clinical testing. Allele origin: germline.
Comment: The p.Q683E variant (also known as c.2047C>G), located in coding exon 7 of the SKI gene, results from a C to G substitution at nucleotide position 2047. The glutamine at codon 683 is replaced by glutamic acid, an amino acid with highly similar properties. This amino acid position is conserved. In addition, the in silico prediction for this alteration is inconclusive. Since supporting evidence is limited at this time, the clinical significance of this alteration remains unclear.